The following is an entry in ClinVar:

ClinVar aggregate classification (germline): Uncertain significance (1 of 4 stars; one submission).

Conditions:
Familial encephalopathy with neuroserpin inclusion bodies. Also called: ENCEPHALOPATHY, FAMILIAL, WITH COLLINS BODIES. Identifiers: Orphanet 85110, MedGen C1858680, MONDO:0011412, OMIM 604218.

Allele frequency attached by ClinVar (database versions not stated): gnomAD exomes below 0.00001.
gnomAD v4.1: 1 of 1,614,088 alleles (0.000062%); highest among the groups gnomAD compares: East Asian, 0.0022%; no homozygotes.

Submission:

Labcorp Genetics (formerly Invitae), Labcorp
Classification: Uncertain significance for Familial encephalopathy with neuroserpin inclusion bodies. Last evaluated: 2025-10-02. Review status: criteria provided, single submitter. Criteria: Invitae Variant Classification Sherloc (09022015). Collection method: clinical testing. Allele origin: germline.
Comment: This sequence change replaces aspartic acid, which is acidic and polar, with glycine, which is neutral and non-polar, at codon 79 of the SERPINI1 protein (p.Asp79Gly). This variant is not present in population databases (gnomAD no frequency). This variant has not been reported in the literature in individuals affected with SERPINI1-related conditions. ClinVar contains an entry for this variant (Variation ID: 2987729). Invitae Evidence Modeling of protein sequence and biophysical properties (such as structural, functional, and spatial information, amino acid conservation, physicochemical variation, residue mobility, and thermodynamic stability) indicates that this missense variant is not expected to disrupt SERPINI1 protein function with a negative predictive value of 80%. In summary, the available evidence is currently insufficient to determine the role of this variant in disease. Therefore, it has been classified as a Variant of Uncertain Significance.

NM_001122752.2(SERPINI1):c.236A>G (p.Asp79Gly)

Gene: SERPINI1 (serpin family I member 1; plus strand). Cytogenetic location: 3q26.1.
Variant type: single nucleotide variant.
Coding change: c.236A>G on transcript NM_001122752.2 (MANE Select); coding-DNA position 236, A replaced by G.
Protein change: p.Asp79Gly; replaces aspartic acid 79 with glycine.
Molecular consequence: missense variant.
Genome position (GRCh38, 1-based): chr3:167,789,364, A>G. VCF-style: chr3-167789364-A-G. GRCh37 (hg19) VCF-style: chr3-167507152-A-G.
Other names: c.236A>G, p.Asp79Gly (NM_005025.5); short protein forms D79G.
Identifiers: ClinVar variation 2987729 (VCV002987729.3), dbSNP rs1727422704, ClinGen allele CA355155831.